The following is an entry in ClinVar:

Conditions:
Long QT syndrome 5 (LQT5). Identifiers: Orphanet 101016, Orphanet 768, MedGen C1867904, MONDO:0013372, OMIM 613695.

Submission:

Roden Lab, Vanderbilt University Medical Center
No classification provided (evidence only). Condition: Long QT syndrome 5. Review status: no classification provided. Collection method: in vitro. Allele origin: not applicable. Functional consequence: Effect on ion channel function.
ClinVar note: "not provided" was previously submitted as the classification for the variant. However, the classification appeared to be based only on an observation of functional data so it was converted to no classification on 2025-07-30.

NM_000219.6(KCNE1):c.147G>T (p.Met49Ile)

Gene: KCNE1 (potassium voltage-gated channel subfamily E regulatory subunit 1; minus strand). Cytogenetic location: 21q22.12.
Variant type: single nucleotide variant.
Coding change: c.147G>T on transcript NM_000219.6 (MANE Select); coding-DNA position 147, G replaced by T.
Protein change: p.Met49Ile; replaces methionine 49 with isoleucine.
Molecular consequence: missense variant.
Genome position (GRCh38, 1-based): chr21:34,449,488, C>A on the plus strand (G>T on the coding strand, the complement: KCNE1 is on the minus strand). VCF-style: chr21-34449488-C-A. GRCh37 (hg19) VCF-style: chr21-35821786-C-A.
Other names: c.147G>T, p.Met49Ile (NM_001127668.4, NM_001127669.4, NM_001127670.4 and 4 more transcripts); short protein forms M49I.
Identifiers: ClinVar variation 3374169 (VCV003374169.2).
Genomic context (GRCh38, chr21:34,449,488, plus strand): 5'-CTTGGAGCGGATGTAGCTCAGCATGATGCCCAGGGTGAAGAAGCCGAAGAATCCCAGTAC[C>A]ATGAGGACGTAGAGGGCCTCCAGCTTGCCGTCACTGCTGCGGGGGGACCTGCGGGCCAGG-3'
Protein context (NP_000210.2, residues 39-59): DGKLEALYVL[Met49Ile]VLGFFGFFTL